The following is an entry in ClinVar:

NM_016955.4(SEPSECS):c.547+1G>C

Gene: SEPSECS (Sep (O-phosphoserine) tRNA:Sec (selenocysteine) tRNA synthase; minus strand). Cytogenetic location: 4p15.2.
Variant type: single nucleotide variant.
Coding change: c.547+1G>C on transcript NM_016955.4 (MANE Select); the canonical splice donor site of the intron after coding-DNA position 547, G replaced by C.
Molecular consequence: splice donor variant.
Genome position (GRCh38, 1-based): chr4:25,156,036, C>G on the plus strand (G>C on the coding strand, the complement: SEPSECS is on the minus strand). VCF-style: chr4-25156036-C-G. GRCh37 (hg19) VCF-style: chr4-25157658-C-G.
Other names: c.802+1G>C (NM_001410714.1); c.547+1G>C (NM_016955.3).
Identifiers: ClinVar variation 3005390 (VCV003005390.6), dbSNP rs1430819064, ClinGen allele CA356542076.

ClinVar aggregate classification (germline): Likely pathogenic. Review status: criteria provided, multiple submitters, no conflicts (2 of 4 stars). 3 submissions from 3 submitters: Likely pathogenic (3). Last evaluated 2024-05-22.

Conditions:
Pontocerebellar hypoplasia type 2D (PCH2D). Also called: Progressive cerebello-cerebral atrophy. Identifiers: Orphanet 247198, Orphanet 2524, MedGen C3151140, MONDO:0013438, OMIM 613811.

Allele frequency attached by ClinVar (database versions not stated): gnomAD exomes below 0.00001; TOPMed below 0.00001; gnomAD 0.00001.
gnomAD v4.1: 3 of 1,612,006 alleles (0.00019%); highest among the groups gnomAD compares: Non-Finnish European, 0.00025%; no homozygotes.

Submissions (3):

Natera, Inc.
Classification: Likely pathogenic for Pontocerebellar hypoplasia type 2d. Last evaluated: 2024-05-22. Review status: criteria provided, single submitter. Criteria: Natera Variant Classification Schema (03/2026). Collection method: clinical testing. Allele origin: germline.
Comment: The c.547+1G>C variant in SEPSECS is a canonical splice donor site variant predicted to affect pre-mRNA splicing, which may result in an abnormal transcript and altered protein product. This variant is expected to result in nonsense mediated decay, truncation, or a dysfunctional protein product. This variant is rare in the general population with a frequency below the threshold expected for the associated phenotype(s). Given the available evidence, this variant is classified as Likely Pathogenic.

Fulgent Genetics
Classification: Likely pathogenic for Pontocerebellar hypoplasia type 2D. Last evaluated: 2024-03-12. Review status: criteria provided, single submitter. Criteria: ACMG Guidelines, 2015. Collection method: clinical testing. Allele origin: germline.

Labcorp Genetics (formerly Invitae), Labcorp
Classification: Likely pathogenic. Last evaluated: 2023-10-15. Review status: criteria provided, single submitter. Criteria: Invitae Variant Classification Sherloc (09022015). Collection method: clinical testing. Allele origin: germline.
Comment: This sequence change affects a donor splice site in intron 4 of the SEPSECS gene. It is expected to disrupt RNA splicing. Variants that disrupt the donor or acceptor splice site typically lead to a loss of protein function (PMID: 16199547), and loss-of-function variants in SEPSECS are known to be pathogenic (PMID: 25558065, 25590979, 26115735). This variant is present in population databases (no rsID available, gnomAD 0.007%). This variant has not been reported in the literature in individuals affected with SEPSECS-related conditions. Algorithms developed to predict the effect of sequence changes on RNA splicing suggest that this variant may disrupt the consensus splice site. In summary, the currently available evidence indicates that the variant is pathogenic, but additional data are needed to prove that conclusively. Therefore, this variant has been classified as Likely Pathogenic.

Literature cited by the submitters: PubMed 16199547 (cited by Labcorp Genetics (formerly Invitae), Labcorp); PubMed 25558065 (cited by Labcorp Genetics (formerly Invitae), Labcorp); PubMed 25590979 (cited by Labcorp Genetics (formerly Invitae), Labcorp); PubMed 26115735 (cited by Labcorp Genetics (formerly Invitae), Labcorp).